The following is an entry in ClinVar:

ClinVar aggregate classification (germline): Uncertain significance (1 of 4 stars; one submission).

Allele frequency attached by ClinVar (database versions not stated): ExAC 0.00001.
gnomAD v4.1: 1 of 1,211,045 alleles (0.000083%); highest among the groups gnomAD compares: Admixed American, 0.0022%; no homozygotes.

Submission:

Labcorp Genetics (formerly Invitae), Labcorp
Classification: Uncertain significance. Last evaluated: 2024-11-27. Review status: criteria provided, single submitter. Criteria: Invitae Variant Classification Sherloc (09022015). Collection method: clinical testing. Allele origin: germline.
Comment: This sequence change replaces arginine, which is basic and polar, with tryptophan, which is neutral and slightly polar, at codon 162 of the HUWE1 protein (p.Arg162Trp). This variant is present in population databases (rs782755235, gnomAD 0.004%). This variant has not been reported in the literature in individuals affected with HUWE1-related conditions. ClinVar contains an entry for this variant (Variation ID: 2711170). Invitae Evidence Modeling of protein sequence and biophysical properties (such as structural, functional, and spatial information, amino acid conservation, physicochemical variation, residue mobility, and thermodynamic stability) indicates that this missense variant is expected to disrupt HUWE1 protein function with a positive predictive value of 95%. In summary, the available evidence is currently insufficient to determine the role of this variant in disease. Therefore, it has been classified as a Variant of Uncertain Significance.

NM_031407.7(HUWE1):c.484C>T (p.Arg162Trp)

Gene: HUWE1 (HECT, UBA and WWE domain containing E3 ubiquitin protein ligase 1; minus strand). Cytogenetic location: Xp11.22.
Variant type: single nucleotide variant.
Coding change: c.484C>T on transcript NM_031407.7 (MANE Select); coding-DNA position 484, C replaced by T.
Protein change: p.Arg162Trp; replaces arginine 162 with tryptophan.
Molecular consequence: missense variant.
Genome position (GRCh38, 1-based): chrX:53,645,331, G>A on the plus strand (C>T on the coding strand, the complement: HUWE1 is on the minus strand). VCF-style: chrX-53645331-G-A. GRCh37 (hg19) VCF-style: chrX-53672283-G-A.
Other names: short protein forms R162W.
Identifiers: ClinVar variation 2711170 (VCV002711170.3), dbSNP rs782755235, ClinGen allele CA10423105.